The following is an entry in ClinVar:

ClinVar aggregate classification (germline): Uncertain significance (1 of 4 stars; one submission).

Conditions:
Brugada syndrome 8 (BRGDA8). Identifiers: Orphanet 130, MedGen C2751083, MONDO:0013148, OMIM 613123.

Submission:

Labcorp Genetics (formerly Invitae), Labcorp
Classification: Uncertain significance for Brugada syndrome 8. Last evaluated: 2023-08-10. Review status: criteria provided, single submitter. Criteria: Invitae Variant Classification Sherloc (09022015). Collection method: clinical testing. Allele origin: germline.
Comment: In summary, the available evidence is currently insufficient to determine the role of this variant in disease. Therefore, it has been classified as a Variant of Uncertain Significance. Advanced modeling of protein sequence and biophysical properties (such as structural, functional, and spatial information, amino acid conservation, physicochemical variation, residue mobility, and thermodynamic stability) performed at Invitae indicates that this missense variant is not expected to disrupt HCN4 protein function. ClinVar contains an entry for this variant (Variation ID: 1400943). This variant has not been reported in the literature in individuals affected with HCN4-related conditions. This variant is not present in population databases (gnomAD no frequency). This sequence change replaces glycine, which is neutral and non-polar, with arginine, which is basic and polar, at codon 980 of the HCN4 protein (p.Gly980Arg).

NM_005477.3(HCN4):c.2938G>C (p.Gly980Arg)

Gene: HCN4 (hyperpolarization activated cyclic nucleotide gated potassium channel 4; minus strand). Cytogenetic location: 15q24.1.
Variant type: single nucleotide variant.
Coding change: c.2938G>C on transcript NM_005477.3 (MANE Select); coding-DNA position 2938, G replaced by C.
Protein change: p.Gly980Arg; replaces glycine 980 with arginine.
Molecular consequence: missense variant.
Genome position (GRCh38, 1-based): chr15:73,323,155, C>G on the plus strand (G>C on the coding strand, the complement: HCN4 is on the minus strand). VCF-style: chr15-73323155-C-G. GRCh37 (hg19) VCF-style: chr15-73615496-C-G.
Other names: short protein forms G980R.
Identifiers: ClinVar variation 1400943 (VCV001400943.8), dbSNP rs780719805, ClinGen allele CA393086791.